The following is an entry in ClinVar:

ClinVar aggregate classification (germline): Uncertain significance. Review status: criteria provided, single submitter (1 of 4 stars). 2 submissions from 2 submitters: Uncertain significance (1). 1 of the submissions does not count toward it. Last evaluated 2026-03-24.

Conditions:
CAMTA1-related disorder. Also called: CAMTA1-related condition.

Submissions (2):

GeneDx
Classification: Uncertain significance. Last evaluated: 2026-03-24. Review status: criteria provided, single submitter. Criteria: GeneDx Variant Classification Process June 2021. Collection method: clinical testing. Allele origin: germline.
Comment: Not observed at significant frequency in large population cohorts (gnomAD); In silico analysis supports that this missense variant has a deleterious effect on protein structure/function; Has not been previously published as pathogenic or benign to our knowledge

PreventionGenetics, part of Exact Sciences
Classification: Uncertain significance for CAMTA1-related condition. Last evaluated: 2024-05-10. Review status: no assertion criteria provided. Collection method: clinical testing. Allele origin: germline. Not counted in ClinVar's aggregate classification.
Comment: The CAMTA1 c.638A>C variant is predicted to result in the amino acid substitution p.Glu213Ala. To our knowledge, this variant has not been reported in the literature or in a large population database, indicating this variant is rare. At this time, the clinical significance of this variant is uncertain due to the absence of conclusive functional and genetic evidence.

NM_015215.4(CAMTA1):c.638A>C (p.Glu213Ala)

Gene: CAMTA1 (calmodulin binding transcription activator 1; plus strand). Cytogenetic location: 1p36.23.
Variant type: single nucleotide variant.
Coding change: c.638A>C on transcript NM_015215.4 (MANE Select); coding-DNA position 638, A replaced by C.
Protein change: p.Glu213Ala; replaces glutamic acid 213 with alanine.
Molecular consequence: missense variant.
Genome position (GRCh38, 1-based): chr1:7,640,527, A>C. VCF-style: chr1-7640527-A-C. GRCh37 (hg19) VCF-style: chr1-7700587-A-C.
Other names: c.548A>C, p.Glu183Ala (NM_001349608.2, NM_001349612.2); c.638A>C, p.Glu213Ala (NM_001349609.2, NM_001349610.2, NM_001410737.1); c.566A>C, p.Glu189Ala (NM_001410738.1); short protein forms E183A, E189A, E213A.
Identifiers: ClinVar variation 2637322 (VCV002637322.3), dbSNP rs2523095165, ClinGen allele CA338113095.
Genomic context (GRCh38, chr1:7,640,527, plus strand): 5'-GCCCCATCCTCTGCTCCATCAACACCGACAAGAAGGAGTGGGCGAAATGGACGAAAGAAG[A>C]GCTCATCGGGCAGCTGAAACCCATGTGTGAGTGGCCTTGGCCGGCCTGGCGCCCCCACGC-3'
Protein context (NP_056030.1, residues 203-223): KKEWAKWTKE[Glu213Ala]LIGQLKPMFH